The following is an entry in ClinVar:

ClinVar aggregate classification (germline): Uncertain significance. Review status: criteria provided, multiple submitters, no conflicts (2 of 4 stars). 2 submissions from 2 submitters: Uncertain significance (2). Last evaluated 2026-01-10.

Conditions:
Cardiovascular phenotype. Identifiers: MedGen CN230736.
Dilated cardiomyopathy 1J (CMD1J). Also called: CARDIOMYOPATHY, DILATED, WITH SENSORINEURAL HEARING LOSS, AUTOSOMAL DOMINANT. Identifiers: Orphanet 217622, MedGen C1854368, MONDO:0011541, OMIM 605362.

gnomAD v4.1: 3 of 1,611,804 alleles (0.00019%); highest among the groups gnomAD compares: Non-Finnish European, 0.00025%; no homozygotes.

Submissions (2):

Ambry Genetics
Classification: Uncertain significance for Cardiovascular phenotype. Last evaluated: 2026-01-10. Review status: criteria provided, single submitter. Criteria: Ambry Variant Classification Scheme 2023. Collection method: clinical testing. Allele origin: germline.
Comment: The p.K507T variant (also known as c.1520A>C), located in coding exon 16 of the EYA4 gene, results from an A to C substitution at nucleotide position 1520. The lysine at codon 507 is replaced by threonine, an amino acid with similar properties. This amino acid position is conserved. In addition, this alteration is predicted to be deleterious by in silico analysis. Based on the available evidence, the clinical significance of this variant remains unclear.

Labcorp Genetics (formerly Invitae), Labcorp
Classification: Uncertain significance for Dilated cardiomyopathy 1J. Last evaluated: 2022-09-29. Review status: criteria provided, single submitter. Criteria: Invitae Variant Classification Sherloc (09022015). Collection method: clinical testing. Allele origin: germline.
Comment: In summary, the available evidence is currently insufficient to determine the role of this variant in disease. Therefore, it has been classified as a Variant of Uncertain Significance. Advanced modeling of protein sequence and biophysical properties (such as structural, functional, and spatial information, amino acid conservation, physicochemical variation, residue mobility, and thermodynamic stability) has been performed at Invitae for this missense variant, however the output from this modeling did not meet the statistical confidence thresholds required to predict the impact of this variant on EYA4 protein function. This variant has not been reported in the literature in individuals affected with EYA4-related conditions. This variant is not present in population databases (gnomAD no frequency). This sequence change replaces lysine, which is basic and polar, with threonine, which is neutral and polar, at codon 507 of the EYA4 protein (p.Lys507Thr).

NM_004100.5(EYA4):c.1520A>C (p.Lys507Thr)

Genes: EYA4 (EYA transcriptional coactivator and phosphatase 4; plus strand), TARID (TCF21 antisense RNA inducing promoter demethylation; minus strand). Cytogenetic location: 6q23.2.
Variant type: single nucleotide variant.
Coding change: c.1520A>C on transcript NM_004100.5 (MANE Select); coding-DNA position 1520, A replaced by C.
Protein change: p.Lys507Thr; replaces lysine 507 with threonine.
Molecular consequence: missense variant.
Genome position (GRCh38, 1-based): chr6:133,515,339, A>C. VCF-style: chr6-133515339-A-C. GRCh37 (hg19) VCF-style: chr6-133836477-A-C.
Other names: c.1520A>C (NM_004100.4); c.1358A>C, p.Lys453Thr (NM_001301012.2); c.1538A>C, p.Lys513Thr (NM_001301013.2); c.1451A>C, p.Lys484Thr (NM_001370458.1, NM_172103.4); c.1376A>C, p.Lys459Thr (NM_001370459.1); c.1520A>C, p.Lys507Thr (NM_172105.4); short protein forms K459T, K484T, K513T, K453T, K507T.
Identifiers: ClinVar variation 2142169 (VCV002142169.6), dbSNP rs1052325082, ClinGen allele CA148043411.